The following is an entry in ClinVar:

ClinVar aggregate classification (germline): Benign/Likely benign. Review status: criteria provided, multiple submitters, no conflicts (2 of 4 stars). 3 submissions from 3 submitters: Benign (1); Likely benign (1). 1 of the submissions does not count toward it. Last evaluated 2026-03-01.

Conditions:
TOP3A-related disorder. Also called: TOP3A-related disorders; TOP3A-related condition.

Allele frequency attached by ClinVar (database versions not stated): 1000 Genomes Project 30x 0.00031; TOPMed 0.00031; 1000 Genomes Project 0.00040; ESP Exome Variant Server 0.00046; gnomAD exomes 0.00066; ExAC 0.00082; gnomAD 0.00083.
gnomAD v4.1: 1,069 of 1,613,616 alleles (0.066%); highest among the groups gnomAD compares: Non-Finnish European, 0.057%; 3 homozygotes.

Submissions (3):

CeGaT Center for Human Genetics Tuebingen
Classification: Likely benign. Last evaluated: 2026-03-01. Review status: criteria provided, single submitter. Criteria: CeGaT Center For Human Genetics Tuebingen Variant Classification Criteria Version 2. Collection method: clinical testing. Allele origin: germline. Affected: yes. Observed: 3 variant alleles.
Comment: TOP3A: BP4, BP7

Labcorp Genetics (formerly Invitae), Labcorp
Classification: Benign. Last evaluated: 2025-11-15. Review status: criteria provided, single submitter. Criteria: Invitae Variant Classification Sherloc (09022015). Collection method: clinical testing. Allele origin: germline.

PreventionGenetics, part of Exact Sciences
Classification: Likely benign for TOP3A-related condition. Last evaluated: 2023-11-22. Review status: no assertion criteria provided. Collection method: clinical testing. Allele origin: germline. Not counted in ClinVar's aggregate classification.
Comment: This variant is classified as likely benign based on ACMG/AMP sequence variant interpretation guidelines (Richards et al. 2015 PMID: 25741868, with internal and published modifications).

NM_004618.5(TOP3A):c.1605T>C (p.Asp535=)

Gene: TOP3A (DNA topoisomerase III alpha; minus strand). Cytogenetic location: 17p11.2.
Variant type: single nucleotide variant.
Coding change: c.1605T>C on transcript NM_004618.5 (MANE Select); coding-DNA position 1605, T replaced by C.
Protein change: p.Asp535=; no amino-acid change (aspartic acid 535 retained).
Molecular consequence: synonymous variant.
Genome position (GRCh38, 1-based): chr17:18,285,513, A>G on the plus strand (T>C on the coding strand, the complement: TOP3A is on the minus strand). VCF-style: chr17-18285513-A-G. GRCh37 (hg19) VCF-style: chr17-18188827-A-G.
Other names: c.1320T>C, p.Asp440= (NM_001320759.2); c.1605T>C (NM_004618.4).
Identifiers: ClinVar variation 2053487 (VCV002053487.29), dbSNP rs138815864, ClinGen allele CA8429843.
Genomic context (GRCh38, chr17:18,285,513, plus strand): 5'-TGGGGTGAGGCCCACGTACATCCGGGCTTTGATGGTCTCGATGTGCTCCGCATGAGTGGC[A>G]TCCGTACCTGGAAGCCACTTGCTGGTTACTCTGAGGTAATACAGACAACAGCTCCACCCG-3'
Protein context (NP_004609.1, residues 525-545): ALMEKHGIGT[Asp535=]ATHAEHIETI